The following is an entry in ClinVar:

ClinVar aggregate classification (germline): Likely benign (1 of 4 stars; one submission).

Conditions:
VPS51-related disorder. Also called: VPS51-related condition.

gnomAD v4.1: 288 of 1,612,040 alleles (0.018%); highest among the groups gnomAD compares: African/African-American, 0.14%; 3 homozygotes.

Submission:

PreventionGenetics, part of Exact Sciences
Classification: Likely benign for VPS51-related condition. Last evaluated: 2025-06-28. Review status: criteria provided, single submitter. Criteria: ACMG Guidelines, 2015. Collection method: clinical testing. Allele origin: germline.
Comment: This variant is classified as likely benign based on ACMG/AMP sequence variant interpretation guidelines (Richards et al. 2015 PMID: 25741868, with internal and published modifications).

NM_013265.4(VPS51):c.939C>T (p.Gly313=)

Gene: VPS51 (VPS51 subunit of GARP complex; plus strand). Cytogenetic location: 11q13.1.
Variant type: single nucleotide variant.
Coding change: c.939C>T on transcript NM_013265.4 (MANE Select); coding-DNA position 939, C replaced by T.
Protein change: p.Gly313=; no amino-acid change (glycine 313 retained).
Molecular consequence: synonymous variant. On other transcripts: non-coding transcript variant (1).
Genome position (GRCh38, 1-based): chr11:65,108,410, C>T. VCF-style: chr11-65108410-C-T. GRCh37 (hg19) VCF-style: chr11-64875882-C-T.
Identifiers: ClinVar variation 4985568 (VCV004985568.1).
Genomic context (GRCh38, chr11:65,108,410, plus strand): 5'-CTCACCTCCGGCTCCCGACGTGTTAGAGTTCACCGACCATGGAGGCAGTGGCTTCGTGGG[C>T]GGCCTCTGCCAGGTGGCGGCGGCCTACCAGGAGCTGTTTGCGGCCCAGGGCCCAGCAGGT-3'
Protein context (NP_037397.2, residues 303-323): FTDHGGSGFV[Gly313=]GLCQVAAAYQ